The following is an entry in ClinVar:

NM_001330574.2(ZNF711):c.698A>G (p.Asp233Gly)

Gene: ZNF711 (zinc finger protein 711; plus strand). Cytogenetic location: Xq21.1.
Variant type: single nucleotide variant.
Coding change: c.698A>G on transcript NM_001330574.2 (MANE Select); coding-DNA position 698, A replaced by G.
Protein change: p.Asp233Gly; replaces aspartic acid 233 with glycine.
Molecular consequence: missense variant.
Genome position (GRCh38, 1-based): chrX:85,264,350, A>G. VCF-style: chrX-85264350-A-G. GRCh37 (hg19) VCF-style: chrX-84519356-A-G.
Other names: NC_000023.10:g.84519356A>G; c.698A>G, p.Asp233Gly (NM_001375431.1, NM_001375432.1, NM_001375433.1 and 5 more transcripts); short protein forms D233G.
Identifiers: ClinVar variation 3781038 (VCV003781038.3).

ClinVar aggregate classification (germline): Uncertain significance. Review status: criteria provided, multiple submitters, no conflicts (2 of 4 stars). 2 submissions from 2 submitters: Uncertain significance (2). Last evaluated 2025-06-30.

Conditions:
Inborn genetic diseases. Identifiers: MedGen C0950123, MeSH D030342.

gnomAD v4.1: 1 of 1,206,049 alleles (0.000083%); highest among the groups gnomAD compares: African/African-American, 0.0017%; no homozygotes.

Submissions (3):

Ambry Genetics
Classification: Uncertain significance for Inborn genetic diseases. Last evaluated: 2025-06-30. Review status: criteria provided, single submitter. Criteria: Ambry Variant Classification Scheme 2023. Collection method: clinical testing. Allele origin: germline.

GeneDx
Classification: Uncertain significance. Last evaluated: 2024-10-17. Review status: criteria provided, single submitter. Criteria: GeneDx Variant Classification Process June 2021. Collection method: clinical testing. Allele origin: germline. Affected: yes.
Comment: Not observed at significant frequency in large population cohorts (gnomAD); In silico analysis indicates that this missense variant does not alter protein structure/function; Has not been previously published as pathogenic or benign to our knowledge

Dr. Peter K. Rogan Lab, Western University
No classification provided (evidence only). Condition: Thyroid cancer, nonmedullary, 1. Review status: no classification provided. Collection method: in vitro. Allele origin: not applicable. Functional consequence: retained intron. Not counted in ClinVar's aggregate classification.